The following is an entry in ClinVar:

ClinVar aggregate classification (germline): Conflicting classifications of pathogenicity. Review status: criteria provided, conflicting classifications (1 of 4 stars). 3 submissions from 3 submitters: Uncertain significance (2); Likely benign (1). Last evaluated 2025-06-29.

Conditions:
Arrhythmogenic right ventricular dysplasia 13. Also called: ARRHYTHMOGENIC RIGHT VENTRICULAR CARDIOMYOPATHY 13; Arrhythmogenic right ventricular dysplasia, familial, 13. Identifiers: MedGen C3810138, MONDO:0000908, OMIM 615616.

Allele frequency attached by ClinVar (database versions not stated): ExAC 0.00002; gnomAD exomes 0.00002 and 0.00006; gnomAD 0.00006 and 0.00007; TOPMed 0.00006; ESP Exome Variant Server 0.00008; 1000 Genomes Project 30x 0.00016; 1000 Genomes Project 0.00020.
gnomAD v4.1: 99 of 1,607,760 alleles (0.0062%); highest among the groups gnomAD compares: African/African-American, 0.013%; no homozygotes.

Submissions (3):

Labcorp Genetics (formerly Invitae), Labcorp
Classification: Uncertain significance for Arrhythmogenic right ventricular dysplasia 13. Last evaluated: 2025-06-29. Review status: criteria provided, single submitter. Criteria: Invitae Variant Classification Sherloc (09022015). Collection method: clinical testing. Allele origin: germline.
Comment: This sequence change replaces arginine, which is basic and polar, with cysteine, which is neutral and slightly polar, at codon 374 of the CTNNA3 protein (p.Arg374Cys). This variant is present in population databases (rs370981751, gnomAD 0.004%). This variant has not been reported in the literature in individuals affected with CTNNA3-related conditions. ClinVar contains an entry for this variant (Variation ID: 409012). Invitae Evidence Modeling of protein sequence and biophysical properties (such as structural, functional, and spatial information, amino acid conservation, physicochemical variation, residue mobility, and thermodynamic stability) indicates that this missense variant is expected to disrupt CTNNA3 protein function with a positive predictive value of 80%. In summary, the available evidence is currently insufficient to determine the role of this variant in disease. Therefore, it has been classified as a Variant of Uncertain Significance.

Blueprint Genetics
Classification: Likely benign. Last evaluated: 2022-07-14. Review status: criteria provided, single submitter. Criteria: ACMG Guidelines, 2015. Collection method: clinical testing. Allele origin: germline.

Ambry Genetics
Classification: Uncertain significance. Last evaluated: 2021-06-18. Review status: criteria provided, single submitter. Criteria: Ambry Variant Classification Scheme 2023. Collection method: clinical testing. Allele origin: germline.

NM_013266.4(CTNNA3):c.1120C>T (p.Arg374Cys)

Gene: CTNNA3 (catenin alpha 3; minus strand). Cytogenetic location: 10q21.3.
Variant type: single nucleotide variant.
Coding change: c.1120C>T on transcript NM_013266.4 (MANE Select); coding-DNA position 1120, C replaced by T.
Protein change: p.Arg374Cys; replaces arginine 374 with cysteine.
Molecular consequence: missense variant.
Genome position (GRCh38, 1-based): chr10:66,775,452, G>A on the plus strand (C>T on the coding strand, the complement: CTNNA3 is on the minus strand). VCF-style: chr10-66775452-G-A. GRCh37 (hg19) VCF-style: chr10-68535210-G-A.
Other names: c.1120C>T, p.Arg374Cys (NM_001127384.3); c.1120C>T (NM_013266.2); short protein forms R374C.
Identifiers: ClinVar variation 409012 (VCV000409012.11), dbSNP rs370981751, ClinGen allele CA5520068.